The following is an entry in ClinVar:

ClinVar aggregate classification (germline): Uncertain significance. Review status: criteria provided, multiple submitters, no conflicts (2 of 4 stars). 2 submissions from 2 submitters: Uncertain significance (2). Last evaluated 2026-05-12.

Conditions:
Peutz-Jeghers syndrome (PJS). Also called: POLYPOSIS, HAMARTOMATOUS INTESTINAL; POLYPS-AND-SPOTS SYNDROME; Peutz-Jeghers polyposis; Periorificial lentiginosis syndrome. Identifiers: Orphanet 2869, MedGen C0031269, MeSH D010580, MONDO:0008280, OMIM 175200.
Hereditary cancer-predisposing syndrome. Also called: Tumor predisposition; Neoplastic Syndromes, Hereditary; Hereditary Cancer Syndrome; Hereditary neoplastic syndrome. Identifiers: Orphanet 140162, MedGen C0027672, MeSH D009386, MONDO:0015356.

gnomAD v4.1: 1 of 1,612,054 alleles (0.000062%); highest among the groups gnomAD compares: East Asian, 0.0022%; no homozygotes.

Submissions (2):

Ambry Genetics
Classification: Uncertain significance for Hereditary cancer-predisposing syndrome. Last evaluated: 2026-05-12. Review status: criteria provided, single submitter. Criteria: Ambry Variant Classification Scheme 2023. Collection method: clinical testing. Allele origin: germline.
Comment: The p.E265D variant (also known as c.795G>C), located in coding exon 6 of the STK11 gene, results from a G to C substitution at nucleotide position 795. The glutamic acid at codon 265 is replaced by aspartic acid, an amino acid with highly similar properties. This amino acid position is highly conserved in available vertebrate species. In addition, the in silico prediction for this alteration is inconclusive. Based on the available evidence, the clinical significance of this variant remains unclear.

Labcorp Genetics (formerly Invitae), Labcorp
Classification: Uncertain significance for Peutz-Jeghers syndrome. Last evaluated: 2021-05-31. Review status: criteria provided, single submitter. Criteria: Invitae Variant Classification Sherloc (09022015). Collection method: clinical testing. Allele origin: germline.
Comment: In summary, the available evidence is currently insufficient to determine the role of this variant in disease. Therefore, it has been classified as a Variant of Uncertain Significance. Advanced modeling of protein sequence and biophysical properties (such as structural, functional, and spatial information, amino acid conservation, physicochemical variation, residue mobility, and thermodynamic stability) performed at Invitae indicates that this missense variant is not expected to disrupt STK11 protein function. This variant has not been reported in the literature in individuals with STK11-related conditions. This variant is not present in population databases (ExAC no frequency). This sequence change replaces glutamic acid with aspartic acid at codon 265 of the STK11 protein (p.Glu265Asp). The glutamic acid residue is highly conserved and there is a small physicochemical difference between glutamic acid and aspartic acid.

NM_000455.5(STK11):c.795G>C (p.Glu265Asp)

Gene: STK11 (serine/threonine kinase 11; plus strand). Cytogenetic location: 19p13.3.
Variant type: single nucleotide variant.
Coding change: c.795G>C on transcript NM_000455.5 (MANE Select); coding-DNA position 795, G replaced by C.
Protein change: p.Glu265Asp; replaces glutamic acid 265 with aspartic acid.
Molecular consequence: missense variant.
Genome position (GRCh38, 1-based): chr19:1,221,273, G>C. VCF-style: chr19-1221273-G-C. GRCh37 (hg19) VCF-style: chr19-1221272-G-C.
Other names: c.795G>C (NM_000455.4); short protein forms E265D.
Identifiers: ClinVar variation 1523673 (VCV001523673.9), dbSNP rs730881963, ClinGen allele CA402950532.